The following is an entry in ClinVar:

ClinVar aggregate classification (germline): Uncertain significance (1 of 4 stars; one submission).

Submission:

GeneDx
Classification: Uncertain significance. Last evaluated: 2025-05-08. Review status: criteria provided, single submitter. Criteria: GeneDx Variant Classification Process June 2021. Collection method: clinical testing. Allele origin: germline. Affected: yes.
Comment: Not observed at significant frequency in large population cohorts (gnomAD); In silico analysis suggests that this missense variant does not alter protein structure/function; Has not been previously published as pathogenic or benign to our knowledge

NM_004380.3(CREBBP):c.1576A>G (p.Asn526Asp)

Gene: CREBBP (CREB binding lysine acetyltransferase; minus strand). Cytogenetic location: 16p13.3.
Variant type: single nucleotide variant.
Coding change: c.1576A>G on transcript NM_004380.3 (MANE Select); coding-DNA position 1576, A replaced by G.
Protein change: p.Asn526Asp; replaces asparagine 526 with aspartic acid.
Molecular consequence: missense variant.
Genome position (GRCh38, 1-based): chr16:3,781,304, T>C on the plus strand (A>G on the coding strand, the complement: CREBBP is on the minus strand). VCF-style: chr16-3781304-T-C. GRCh37 (hg19) VCF-style: chr16-3831305-T-C.
Other names: c.1462A>G, p.Asn488Asp (NM_001079846.1); short protein forms N488D, N526D.
Identifiers: ClinVar variation 1313405 (VCV001313405.3), dbSNP rs1161581600, ClinGen allele CA394556986.
Genomic context (GRCh38, chr16:3,781,304, plus strand): 5'-TCAAGTTTGGGGGCTGCTGATCTGTTGTTATTCCTCCTGCTGGAATGTTCATTGGATTAT[T>C]TCCTTTAAAGACAGAAAAGAAATCAATCAACAGTTAAATTTTAATATATACTTCAAAGTT-3'
Protein context (NP_004371.2, residues 516-536): QQMRTLNPLG[Asn526Asp]NPMNIPAGGI